The following is an entry in ClinVar:

ClinVar aggregate classification (germline): Likely pathogenic. Review status: criteria provided, multiple submitters, no conflicts (2 of 4 stars). 2 submissions from 2 submitters: Likely pathogenic (2). Last evaluated 2024-10-09.

Conditions:
Polycystic kidney disease 4 (PKD4). Also called: PKD3; Autosomal Recessive Polycystic Kidney Disease – PKHD1; POLYCYSTIC KIDNEY AND HEPATIC DISEASE 1; POLYCYSTIC KIDNEY DISEASE, INFANTILE, TYPE I; POLYCYSTIC KIDNEY DISEASE 4 WITH OR WITHOUT POLYCYSTIC LIVER DISEASE. Identifiers: MedGen C4540575, MONDO:0033004, OMIM 263200.
PKHD1-related disorder. Also called: PKHD1-related condition.

Allele frequency attached by ClinVar (database versions not stated): gnomAD exomes 0.00002.
gnomAD v4.1: 26 of 1,614,008 alleles (0.0016%); highest among the groups gnomAD compares: Non-Finnish European, 0.0022%; no homozygotes.

Submissions (2):

Victorian Clinical Genetics Services, Murdoch Childrens Research Institute
Classification: Likely pathogenic for Polycystic kidney disease 4. Last evaluated: 2024-10-09. Review status: criteria provided, single submitter. Criteria: ACMG Guidelines, 2015. Collection method: clinical testing. Allele origin: germline. Inheritance: Autosomal recessive inheritance. Affected: yes.
Comment: Based on the classification scheme VCGS_Germline_v1.3.5, this variant is classified as Likely pathogenic. Following criteria are met: 0102 - Loss of function is a known mechanism of disease in this gene and is associated with polycystic kidney disease 4, with or without hepatic disease (MIM#263200). (I) 0106 - This gene is associated with autosomal recessive disease; however, there are emerging reports of heterozygous carriers of PKHD1 variants developing liver cysts and nephrocalcinosis (PMID: 21945273). (I) 0115 - Variants in this gene are known to have variable expressivity. Significant intrafamilial variability has been reported (PMID: 20301501). (I) 0200 - Variant is predicted to result in a missense amino acid change from glycine to serine. (I) 0251 - This variant is heterozygous. (I) 0304 - Variant is present in gnomAD (v4) <0.01 for a recessive condition (26 heterozygotes, 0 homozygotes). (SP) 0501 - Missense variant consistently predicted to be damaging by multiple in silico tools or highly conserved with a major amino acid change. (SP) 0604 - Variant is not located in an established domain, motif, hotspot or informative constraint region. (I) 0710 - Another missense variant comparable to the one identified in this case has inconclusive previous evidence for pathogenicity. An alternative change to valine at the same residue has previously been reported as a VUS (LOVD). (I) 0807 - This variant has no previous evidence of pathogenicity. (I) 1102 - Strong phenotype match for this individual. (SP) 1201 - Heterozygous variant detected in trans with a second pathogenic heterozygous variant (NM_138694.3(PKHD1):c.11468C>G; p.(Ser3823*)) in a recessive disease. (I) Legend: (SP) - Supporting pathogenic, (I) - Information, (SB) - Supporting benign

Blueprint Genetics
Classification: Likely pathogenic for PKHD1-related disorders. Last evaluated: 2023-05-17. Review status: criteria provided, single submitter. Criteria: ACMG Guidelines, 2015. Collection method: clinical testing. Allele origin: germline. Affected: yes. Observed: 2 variant alleles.

Literature cited by the submitters: PubMed 20301501 (cited by Victorian Clinical Genetics Services, Murdoch Childrens Research Institute); PubMed 21945273 (cited by Victorian Clinical Genetics Services, Murdoch Childrens Research Institute).

NM_138694.4(PKHD1):c.9715G>A (p.Gly3239Ser)

Gene: PKHD1 (PKHD1 ciliary IPT domain containing fibrocystin/polyductin; minus strand). Cytogenetic location: 6p12.3.
Variant type: single nucleotide variant.
Coding change: c.9715G>A on transcript NM_138694.4 (MANE Select); coding-DNA position 9715, G replaced by A.
Protein change: p.Gly3239Ser; replaces glycine 3239 with serine.
Molecular consequence: missense variant.
Genome position (GRCh38, 1-based): chr6:51,747,901, C>T on the plus strand (G>A on the coding strand, the complement: PKHD1 is on the minus strand). VCF-style: chr6-51747901-C-T. GRCh37 (hg19) VCF-style: chr6-51612699-C-T.
Other names: c.9715G>A, p.Gly3239Ser (NM_170724.3); short protein forms G3239S.
Identifiers: ClinVar variation 1804988 (VCV001804988.3), dbSNP rs980098360, ClinGen allele CA138895885.